The following is an entry in ClinVar:

NM_004304.5(ALK):c.2021C>A (p.Thr674Asn)

Gene: ALK (ALK receptor tyrosine kinase; minus strand). Cytogenetic location: 2p23.2.
Variant type: single nucleotide variant.
Coding change: c.2021C>A on transcript NM_004304.5 (MANE Select); coding-DNA position 2021, C replaced by A.
Protein change: p.Thr674Asn; replaces threonine 674 with asparagine.
Molecular consequence: missense variant.
Genome position (GRCh38, 1-based): chr2:29,275,119, G>T on the plus strand (C>A on the coding strand, the complement: ALK is on the minus strand). VCF-style: chr2-29275119-G-T. GRCh37 (hg19) VCF-style: chr2-29497985-G-T.
Other names: short protein forms T674N.
Identifiers: ClinVar variation 576150 (VCV000576150.9), dbSNP rs1178181097, ClinGen allele CA346479603.

ClinVar aggregate classification (germline): Uncertain significance. Review status: criteria provided, multiple submitters, no conflicts (2 of 4 stars). 2 submissions from 2 submitters: Uncertain significance (2). Last evaluated 2025-05-12.

Conditions:
Neuroblastoma, susceptibility to, 3. Also called: ALK-Related Neuroblastic Tumor Susceptibility. Identifiers: Orphanet 635, MedGen C2751681, MONDO:0013083, OMIM 613014.
Hereditary cancer-predisposing syndrome. Also called: Hereditary neoplastic syndrome; Tumor predisposition; Hereditary Cancer Syndrome; Neoplastic Syndromes, Hereditary. Identifiers: Orphanet 140162, MedGen C0027672, MeSH D009386, MONDO:0015356.

Allele frequency attached by ClinVar (database versions not stated): gnomAD exomes below 0.00001.
gnomAD v4.1: 1 of 1,614,156 alleles (0.000062%); highest among the groups gnomAD compares: African/African-American, 0.0013%; no homozygotes.

Submissions (2):

Labcorp Genetics (formerly Invitae), Labcorp
Classification: Uncertain significance for Neuroblastoma, susceptibility to, 3. Last evaluated: 2025-05-12. Review status: criteria provided, single submitter. Criteria: Invitae Variant Classification Sherloc (09022015). Collection method: clinical testing. Allele origin: germline.
Comment: This sequence change replaces threonine, which is neutral and polar, with asparagine, which is neutral and polar, at codon 674 of the ALK protein (p.Thr674Asn). This variant is present in population databases (no rsID available, gnomAD 0.007%). This variant has not been reported in the literature in individuals affected with ALK-related conditions. ClinVar contains an entry for this variant (Variation ID: 576150). An algorithm developed to predict the effect of missense changes on protein structure and function outputs the following: PolyPhen-2: "Benign". The asparagine amino acid residue is found in multiple mammalian species, which suggests that this missense change does not adversely affect protein function. In summary, the available evidence is currently insufficient to determine the role of this variant in disease. Therefore, it has been classified as a Variant of Uncertain Significance.

Ambry Genetics
Classification: Uncertain significance for Hereditary cancer-predisposing syndrome. Last evaluated: 2024-10-20. Review status: criteria provided, single submitter. Criteria: Ambry Variant Classification Scheme 2023. Collection method: clinical testing. Allele origin: germline.
Comment: The p.T674N variant (also known as c.2021C>A), located in coding exon 11 of the ALK gene, results from a C to A substitution at nucleotide position 2021. The threonine at codon 674 is replaced by asparagine, an amino acid with similar properties. This amino acid position is conserved. In addition, this alteration is predicted to be tolerated by in silico analysis. Based on the available evidence, the clinical significance of this variant remains unclear.